The following is an entry in ClinVar:

ClinVar aggregate classification (germline): Uncertain significance (1 of 4 stars; one submission).

Submission:

Labcorp Genetics (formerly Invitae), Labcorp
Classification: Uncertain significance. Last evaluated: 2022-02-19. Review status: criteria provided, single submitter. Criteria: Invitae Variant Classification Sherloc (09022015). Collection method: clinical testing. Allele origin: germline.
Comment: In summary, the available evidence is currently insufficient to determine the role of this variant in disease. Therefore, it has been classified as a Variant of Uncertain Significance. Algorithms developed to predict the effect of missense changes on protein structure and function are either unavailable or do not agree on the potential impact of this missense change (SIFT: "Tolerated"; PolyPhen-2: "Probably Damaging"; Align-GVGD: "Class C0"). This variant has not been reported in the literature in individuals affected with DMXL2-related conditions. This variant is not present in population databases (gnomAD no frequency). This sequence change replaces asparagine, which is neutral and polar, with serine, which is neutral and polar, at codon 2807 of the DMXL2 protein (p.Asn2807Ser).

NM_001378457.1(DMXL2):c.8483A>G (p.Asn2828Ser)

Gene: DMXL2 (Dmx like 2; minus strand). Cytogenetic location: 15q21.2.
Variant type: single nucleotide variant.
Coding change: c.8483A>G on transcript NM_001378457.1 (MANE Select); coding-DNA position 8483, A replaced by G.
Protein change: p.Asn2828Ser; replaces asparagine 2828 with serine.
Molecular consequence: missense variant. On other transcripts: non-coding transcript variant (2).
Genome position (GRCh38, 1-based): chr15:51,456,109, T>C on the plus strand (A>G on the coding strand, the complement: DMXL2 is on the minus strand). VCF-style: chr15-51456109-T-C. GRCh37 (hg19) VCF-style: chr15-51748306-T-C.
Other names: c.8420A>G, p.Asn2807Ser (NM_001174116.3); c.6509A>G, p.Asn2170Ser (NM_001174117.3); c.8480A>G, p.Asn2827Ser (NM_001378458.1); c.8195A>G, p.Asn2732Ser (NM_001378459.1); c.6398A>G, p.Asn2133Ser (NM_001378460.1); c.8417A>G, p.Asn2806Ser (NM_015263.5); short protein forms N2133S, N2732S, N2806S, N2828S, N2807S, N2170S, N2827S.
Identifiers: ClinVar variation 1959604 (VCV001959604.5), dbSNP rs1157255979, ClinGen allele CA392433730.